The following is an entry in ClinVar:

NM_000498.3(CYP11B2):c.800-7T>C

Genes: CYP11B2 (cytochrome P450 family 11 subfamily B member 2; minus strand), LOC106799834 (CYP11B2 recombination region; plus strand). Cytogenetic location: 8q24.3.
Variant type: single nucleotide variant.
Coding change: c.800-7T>C on transcript NM_000498.3 (MANE Select); 7 bases into the intron before coding-DNA position 800, T replaced by C.
Molecular consequence: intron variant.
Genome position (GRCh38, 1-based): chr8:142,914,425, A>G on the plus strand (T>C on the coding strand, the complement: CYP11B2 is on the minus strand). VCF-style: chr8-142914425-A-G. GRCh37 (hg19) VCF-style: chr8-143995841-A-G.
Other names: p.?.
Identifiers: ClinVar variation 718481 (VCV000718481.14), dbSNP rs544965885, ClinGen allele CA4906069.

ClinVar aggregate classification (germline): Likely benign. Review status: criteria provided, multiple submitters, no conflicts (2 of 4 stars). 5 submissions from 5 submitters: Likely benign (4). 1 of the submissions does not count toward it. Last evaluated 2026-01-26.

Conditions:
Corticosterone methyl oxidase type II deficiency.

Allele frequency attached by ClinVar (database versions not stated): ExAC 0.00002; gnomAD exomes 0.00003; 1000 Genomes Project 30x 0.00484.

Submissions (5):

Labcorp Genetics (formerly Invitae), Labcorp
Classification: Likely benign. Last evaluated: 2026-01-26. Review status: criteria provided, single submitter. Criteria: Invitae Variant Classification Sherloc (09022015). Collection method: clinical testing. Allele origin: germline.

Mayo Clinic Laboratories, Mayo Clinic
Classification: Likely benign. Last evaluated: 2025-12-04. Review status: criteria provided, single submitter. Criteria: ACMG Guidelines, 2015. Collection method: clinical testing. Allele origin: germline. Observed: 2 variant alleles.
Comment: BP4, BP7

Blueprint Genetics
Classification: Likely benign. Last evaluated: 2024-11-27. Review status: criteria provided, single submitter. Criteria: ACMG Guidelines, 2015. Collection method: clinical testing. Allele origin: germline.

Breakthrough Genomics
Classification: Likely benign. Review status: criteria provided, single submitter. Criteria: ACMG Guidelines, 2015. Collection method: not provided. Allele origin: germline. Inheritance: Autosomal recessive inheritance. Affected: yes.

Natera, Inc.
Classification: Likely benign for Corticosterone methyl oxidase type II deficiency. Last evaluated: 2020-04-15. Review status: no assertion criteria provided. Collection method: clinical testing. Allele origin: germline. Not counted in ClinVar's aggregate classification.